The following is an entry in ClinVar:

NM_207346.3(TSEN54):c.901A>G (p.Ile301Val)

Gene: TSEN54 (tRNA splicing endonuclease subunit 54; plus strand). Cytogenetic location: 17q25.1.
Variant type: single nucleotide variant.
Coding change: c.901A>G on transcript NM_207346.3 (MANE Select); coding-DNA position 901, A replaced by G.
Protein change: p.Ile301Val; replaces isoleucine 301 with valine.
Molecular consequence: missense variant.
Genome position (GRCh38, 1-based): chr17:75,521,982, A>G. VCF-style: chr17-75521982-A-G. GRCh37 (hg19) VCF-style: chr17-73518063-A-G.
Other names: short protein forms I301V.
Identifiers: ClinVar variation 1952983 (VCV001952983.5), dbSNP rs1245620942, ClinGen allele CA401029410.
Genomic context (GRCh38, chr17:75,521,982, plus strand): 5'-AGTGGCAGAGCCGAGAACGGAGTCACGGGAGCCGGTAAGCGGCGCTGGAACTTCGAGCAG[A>G]TCTCCTTCCCCAACATGGCTTCAGACAGCCGCCACACCCTTCTGCGCGCCCCAGCCCCAG-3'
Protein context (NP_997229.2, residues 291-311): AGKRRWNFEQ[Ile301Val]SFPNMASDSR

ClinVar aggregate classification (germline): Uncertain significance (1 of 4 stars; one submission).

Submission:

Labcorp Genetics (formerly Invitae), Labcorp
Classification: Uncertain significance. Last evaluated: 2022-04-25. Review status: criteria provided, single submitter. Criteria: Invitae Variant Classification Sherloc (09022015). Collection method: clinical testing. Allele origin: germline.
Comment: In summary, the available evidence is currently insufficient to determine the role of this variant in disease. Therefore, it has been classified as a Variant of Uncertain Significance. Algorithms developed to predict the effect of sequence changes on RNA splicing suggest that this variant may create or strengthen a splice site. Algorithms developed to predict the effect of missense changes on protein structure and function are either unavailable or do not agree on the potential impact of this missense change (SIFT: "Deleterious"; PolyPhen-2: "Probably Damaging"; Align-GVGD: "Class C0"). This variant has not been reported in the literature in individuals affected with TSEN54-related conditions. This variant is not present in population databases (gnomAD no frequency). This sequence change replaces isoleucine, which is neutral and non-polar, with valine, which is neutral and non-polar, at codon 301 of the TSEN54 protein (p.Ile301Val).